The following is an entry in ClinVar:

NM_000051.4(ATM):c.1129T>C (p.Ser377Pro)

Gene: ATM (ATM serine/threonine kinase; plus strand). Cytogenetic location: 11q22.3.
Variant type: single nucleotide variant.
Coding change: c.1129T>C on transcript NM_000051.4 (MANE Select); coding-DNA position 1129, T replaced by C.
Protein change: p.Ser377Pro; replaces serine 377 with proline.
Molecular consequence: missense variant.
Genome position (GRCh38, 1-based): chr11:108,248,996, T>C. VCF-style: chr11-108248996-T-C. GRCh37 (hg19) VCF-style: chr11-108119723-T-C.
Other names: c.1129T>C, p.Ser377Pro (NM_001351834.2); short protein forms S377P.
Identifiers: ClinVar variation 233757 (VCV000233757.6), dbSNP rs876660620, ClinGen allele CA10578994.

ClinVar aggregate classification (germline): Uncertain significance. Review status: criteria provided, multiple submitters, no conflicts (2 of 4 stars). 2 submissions from 2 submitters: Uncertain significance (2). Last evaluated 2025-10-26.

Conditions:
Hereditary cancer-predisposing syndrome. Also called: Tumor predisposition; Hereditary Cancer Syndrome; Hereditary neoplastic syndrome; Neoplastic Syndromes, Hereditary. Identifiers: Orphanet 140162, MedGen C0027672, MeSH D009386, MONDO:0015356.
Ataxia-telangiectasia syndrome (AT). Also called: Ataxia telangiectasia (A-T); LOUIS-BAR SYNDROME; Cerebello-oculocutaneous telangiectasia; Immunodeficiency with ataxia telangiectasia; ATAXIA-TELANGIECTASIA, COMPLEMENTATION GROUP A; ATAXIA-TELANGIECTASIA, FRESNO VARIANT. Identifiers: Orphanet 100, MedGen C0004135, MONDO:0008840, OMIM 208900.

Submissions (2):

Labcorp Genetics (formerly Invitae), Labcorp
Classification: Uncertain significance for Ataxia-telangiectasia syndrome. Last evaluated: 2025-10-26. Review status: criteria provided, single submitter. Criteria: Invitae Variant Classification Sherloc (09022015). Collection method: clinical testing. Allele origin: germline.
Comment: This sequence change replaces serine, which is neutral and polar, with proline, which is neutral and non-polar, at codon 377 of the ATM protein (p.Ser377Pro). This variant is not present in population databases (gnomAD no frequency). This variant has not been reported in the literature in individuals affected with ATM-related conditions. ClinVar contains an entry for this variant (Variation ID: 233757). Invitae Evidence Modeling of protein sequence and biophysical properties (such as structural, functional, and spatial information, amino acid conservation, physicochemical variation, residue mobility, and thermodynamic stability) indicates that this missense variant is not expected to disrupt ATM protein function with a negative predictive value of 95%. In summary, the available evidence is currently insufficient to determine the role of this variant in disease. Therefore, it has been classified as a Variant of Uncertain Significance.

Ambry Genetics
Classification: Uncertain significance for Hereditary cancer-predisposing syndrome. Last evaluated: 2015-09-08. Review status: criteria provided, single submitter. Criteria: Ambry Variant Classification Scheme 2023. Collection method: clinical testing. Allele origin: germline.
Comment: The p.S377P variant (also known as c.1129T>C), located in coding exon 8 of the ATM gene, results from a T to C substitution at nucleotide position 1129. The serine at codon 377 is replaced by proline, an amino acid with some similar properties. This variant was not reported in population based cohorts in the following databases: Database of Single Nucleotide Polymorphisms (dbSNP), NHLBI Exome Sequencing Project (ESP), and 1000 Genomes Project. In the ESP, this variant was not observed in 6499 samples (12998 alleles) with coverage at this position. To date, this alteration has been detected with an allele frequency of approximately 0.002% (greater than 66000 alleles tested) in our clinical cohort. This amino acid position is poorly conserved in available vertebrate species. In addition, this alteration is predicted to be tolerated by in silico analysis. Since supporting evidence is limited at this time, the clinical significance of p.S377P remains unclear.